The following is an entry in ClinVar:

ClinVar aggregate classification (germline): Uncertain significance (1 of 4 stars; one submission).

Conditions:
Hydroxykynureninuria. Also called: Xanthurenic aciduria; Kynureninase deficiency; Encephalopathy due to hydroxykynureninuria. Identifiers: Orphanet 79155, MedGen C0268474, MONDO:0009372, OMIM 236800.
Vertebral, cardiac, renal, and limb defects syndrome 2. Also called: KYNURENINASE DEFICIENCY, COMPLETE; CONGENITAL NAD DEFICIENCY DISORDER 2. Identifiers: MedGen C4540014, MONDO:0060555, OMIM 617661.

gnomAD v4.1: 1 of 1,613,750 alleles (0.000062%); highest among the groups gnomAD compares: Non-Finnish European, 0.000085%; no homozygotes.

Submission:

Juno Genomics, Hangzhou Juno Genomics, Inc
Classification: Uncertain significance for Hydroxykynureninuria; Vertebral, cardiac, renal, and limb defects syndrome 2. Review status: criteria provided, single submitter. Criteria: ACMG Guidelines, 2015. Collection method: clinical testing. Allele origin: germline.
Comment: Null variant in a gene where loss of function (LOF) is a known mechanism of disease.;Absent from controls (or at extremely low frequency if recessive) in Genome Aggregation Database.

NM_003937.3(KYNU):c.729+1G>T

Gene: KYNU (kynureninase; plus strand). Cytogenetic location: 2q22.2.
Variant type: single nucleotide variant.
Coding change: c.729+1G>T on transcript NM_003937.3 (MANE Select); the canonical splice donor site of the intron after coding-DNA position 729, G replaced by T.
Molecular consequence: splice donor variant.
Genome position (GRCh38, 1-based): chr2:142,960,771, G>T. VCF-style: chr2-142960771-G-T. GRCh37 (hg19) VCF-style: chr2-143718340-G-T.
Other names: c.729+1G>T (NM_001199241.2, NM_001032998.2).
Identifiers: ClinVar variation 5006076 (VCV005006076.2).